The following is an entry in ClinVar:

NM_032520.5(GNPTG):c.637T>C (p.Phe213Leu)

Gene: GNPTG (N-acetylglucosamine-1-phosphate transferase subunit gamma; plus strand). Cytogenetic location: 16p13.3.
Variant type: single nucleotide variant.
Coding change: c.637T>C on transcript NM_032520.5 (MANE Select); coding-DNA position 637, T replaced by C.
Protein change: p.Phe213Leu; replaces phenylalanine 213 with leucine.
Molecular consequence: missense variant.
Genome position (GRCh38, 1-based): chr16:1,362,638, T>C. VCF-style: chr16-1362638-T-C. GRCh37 (hg19) VCF-style: chr16-1412639-T-C.
Other names: short protein forms F213L.
Identifiers: ClinVar variation 2048951 (VCV002048951.1), dbSNP rs552248197, ClinGen allele CA276658696.

ClinVar aggregate classification (germline): Uncertain significance (1 of 4 stars; one submission).

Allele frequency attached by ClinVar (database versions not stated): TOPMed 0.00001; gnomAD exomes 0.00002.
gnomAD v4.1: 28 of 1,613,974 alleles (0.0017%); highest among the groups gnomAD compares: Non-Finnish European, 0.0023%; no homozygotes.

Submission:

Labcorp Genetics (formerly Invitae), Labcorp
Classification: Uncertain significance. Last evaluated: 2022-07-12. Review status: criteria provided, single submitter. Criteria: Invitae Variant Classification Sherloc (09022015). Collection method: clinical testing. Allele origin: germline.
Comment: This sequence change replaces phenylalanine, which is neutral and non-polar, with leucine, which is neutral and non-polar, at codon 213 of the GNPTG protein (p.Phe213Leu). This variant is present in population databases (no rsID available, gnomAD 0.01%). This variant has not been reported in the literature in individuals affected with GNPTG-related conditions. Algorithms developed to predict the effect of missense changes on protein structure and function output the following: SIFT: "Tolerated"; PolyPhen-2: "Benign"; Align-GVGD: "Class C0". The leucine amino acid residue is found in multiple mammalian species, which suggests that this missense change does not adversely affect protein function. In summary, the available evidence is currently insufficient to determine the role of this variant in disease. Therefore, it has been classified as a Variant of Uncertain Significance.